The following is an entry in ClinVar:

NM_000181.4(GUSB):c.760A>C (p.Asn254His)

Gene: GUSB (glucuronidase beta; minus strand). Cytogenetic location: 7q11.21.
Variant type: single nucleotide variant.
Coding change: c.760A>C on transcript NM_000181.4 (MANE Select); coding-DNA position 760, A replaced by C.
Protein change: p.Asn254His; replaces asparagine 254 with histidine.
Molecular consequence: missense variant. On other transcripts: non-coding transcript variant (1), intron variant (1).
Genome position (GRCh38, 1-based): chr7:65,976,167, T>G on the plus strand (A>C on the coding strand, the complement: GUSB is on the minus strand). VCF-style: chr7-65976167-T-G. GRCh37 (hg19) VCF-style: chr7-65441154-T-G.
Other names: c.760A>C (NM_000181.3); c.190A>C, p.Asn64His (NM_001293104.2); c.103A>C, p.Asn35His (NM_001293105.2); c.475-1096A>C (NM_001284290.2); short protein forms N64H, N35H, N254H.
Identifiers: ClinVar variation 1461181 (VCV001461181.6), dbSNP rs150086524, ClinGen allele CA4276520.

ClinVar aggregate classification (germline): Uncertain significance. Review status: criteria provided, multiple submitters, no conflicts (2 of 4 stars). 2 submissions from 2 submitters: Uncertain significance (2). Last evaluated 2024-01-08.

Conditions:
Inborn genetic diseases. Identifiers: MedGen C0950123, MeSH D030342.
Mucopolysaccharidosis type 7 (MPS7). Also called: GUSB DEFICIENCY; SLY SYNDROME; BETA-GLUCURONIDASE DEFICIENCY; MPS VII. Identifiers: Orphanet 584, MedGen C0085132, MONDO:0009662, OMIM 253220.

Allele frequency attached by ClinVar (database versions not stated): gnomAD 0.00001; gnomAD exomes 0.00004 and 0.00006; TOPMed 0.00006; ExAC 0.00007; ESP Exome Variant Server 0.00031.
gnomAD v4.1: 63 of 1,613,364 alleles (0.0039%); highest among the groups gnomAD compares: Middle Eastern, 0.066%; no homozygotes.

Submissions (2):

Ambry Genetics
Classification: Uncertain significance for Inborn genetic diseases. Last evaluated: 2024-01-08. Review status: criteria provided, single submitter. Criteria: Ambry Variant Classification Scheme 2023. Collection method: clinical testing. Allele origin: germline.

Labcorp Genetics (formerly Invitae), Labcorp
Classification: Uncertain significance for Mucopolysaccharidosis type 7. Last evaluated: 2022-06-04. Review status: criteria provided, single submitter. Criteria: Invitae Variant Classification Sherloc (09022015). Collection method: clinical testing. Allele origin: germline.
Comment: This sequence change replaces asparagine, which is neutral and polar, with histidine, which is basic and polar, at codon 254 of the GUSB protein (p.Asn254His). This variant is present in population databases (rs150086524, gnomAD 0.01%). This variant has not been reported in the literature in individuals affected with GUSB-related conditions. ClinVar contains an entry for this variant (Variation ID: 1461181). Algorithms developed to predict the effect of missense changes on protein structure and function are either unavailable or do not agree on the potential impact of this missense change (SIFT: "Deleterious"; PolyPhen-2: "Benign"; Align-GVGD: "Class C0"). In summary, the available evidence is currently insufficient to determine the role of this variant in disease. Therefore, it has been classified as a Variant of Uncertain Significance.